The following is an entry in ClinVar:

NM_015272.5(RPGRIP1L):c.2715del (p.Pro906fs)

Gene: RPGRIP1L (RPGRIP1 like; minus strand). Cytogenetic location: 16q12.2.
Variant type: Deletion.
Coding change: c.2715del on transcript NM_015272.5 (MANE Select); coding-DNA position 2715, one base deleted (T; older notation c.2715delT).
Protein change: p.Pro906fs; shifts the reading frame from proline 906.
Molecular consequence: frameshift variant.
Genome position (GRCh38, 1-based): chr16:53,641,444, A deleted on the plus strand (T on the coding strand, the reverse complement: RPGRIP1L is on the minus strand). VCF-style (leftmost placement, unchanged base first): chr16-53641443-GA-G. GRCh37 (hg19) VCF-style: chr16-53675355-GA-G.
Other names: c.2715del, p.Pro906fs (NM_001127897.4, NM_001308334.3, NM_001330538.2); c.2715del (NM_015272.4); short protein forms P906fs.
Identifiers: ClinVar variation 1423320 (VCV001423320.7), dbSNP rs2151060021, ClinGen allele CA2573152391.

ClinVar aggregate classification (germline): Pathogenic/Likely pathogenic. Review status: criteria provided, multiple submitters, no conflicts (2 of 4 stars). 2 submissions from 2 submitters: Pathogenic (1); Likely pathogenic (1). Last evaluated 2025-07-29.

Conditions:
Joubert syndrome. Also called: CEREBELLOPARENCHYMAL DISORDER IV; JOUBERT-BOLTSHAUSER SYNDROME; Familial aplasia of the vermis. Identifiers: Orphanet 475, MedGen C5979921, MONDO:0018772.
Meckel-Gruber syndrome. Also called: DYSENCEPHALIA SPLANCHNOCYSTICA; GRUBER SYNDROME; Dysencephalia splachnocystica. Identifiers: Orphanet 564, MedGen C0265215, MONDO:0018921.

Submissions (2):

Natera, Inc.
Classification: Likely pathogenic for Joubert syndrome. Last evaluated: 2025-07-29. Review status: criteria provided, single submitter. Criteria: Natera Variant Classification Schema (03/2026). Collection method: clinical testing. Allele origin: germline.
Comment: The c.2715del variant in RPGRIP1L is a frameshift variant predicted to shift the reading frame beginning at codon 906 and leads to a stop codon 9 codons downstream. This variant is expected to result in nonsense mediated decay, truncation, or a dysfunctional protein product. This variant is rare in the general population with a frequency below the threshold expected for the associated phenotype(s). Given the available evidence, this variant is classified as Likely Pathogenic.

Labcorp Genetics (formerly Invitae), Labcorp
Classification: Pathogenic for Joubert syndrome; Meckel-Gruber syndrome. Last evaluated: 2023-09-25. Review status: criteria provided, single submitter. Criteria: Invitae Variant Classification Sherloc (09022015). Collection method: clinical testing. Allele origin: germline.
Comment: This sequence change creates a premature translational stop signal (p.Pro906Leufs*9) in the RPGRIP1L gene. It is expected to result in an absent or disrupted protein product. Loss-of-function variants in RPGRIP1L are known to be pathogenic (PMID: 17558409). This variant is not present in population databases (gnomAD no frequency). This variant has not been reported in the literature in individuals affected with RPGRIP1L-related conditions. ClinVar contains an entry for this variant (Variation ID: 1423320). For these reasons, this variant has been classified as Pathogenic.

Literature cited by the submitters: PubMed 17558409 (cited by Labcorp Genetics (formerly Invitae), Labcorp).